The following is an entry in ClinVar:

ClinVar aggregate classification (germline): Uncertain significance (1 of 4 stars; one submission).

Allele frequency attached by ClinVar (database versions not stated): gnomAD exomes below 0.00001.
gnomAD v4.1: 1 of 1,596,892 alleles (0.000063%); highest among the groups gnomAD compares: Non-Finnish European, 0.000086%; no homozygotes.

Submission:

Labcorp Genetics (formerly Invitae), Labcorp
Classification: Uncertain significance. Last evaluated: 2022-07-26. Review status: criteria provided, single submitter. Criteria: Invitae Variant Classification Sherloc (09022015). Collection method: clinical testing. Allele origin: germline.
Comment: In summary, the available evidence is currently insufficient to determine the role of this variant in disease. Therefore, it has been classified as a Variant of Uncertain Significance. Algorithms developed to predict the effect of missense changes on protein structure and function are either unavailable or do not agree on the potential impact of this missense change (SIFT: "Not Available"; PolyPhen-2: "Possibly Damaging"; Align-GVGD: "Not Available"). ClinVar contains an entry for this variant (Variation ID: 1495381). This variant has not been reported in the literature in individuals affected with FBN3-related conditions. This variant is not present in population databases (gnomAD no frequency). This sequence change replaces glycine, which is neutral and non-polar, with glutamic acid, which is acidic and polar, at codon 1726 of the FBN3 protein (p.Gly1726Glu).

NM_032447.5(FBN3):c.5177G>A (p.Gly1726Glu)

Gene: FBN3 (fibrillin 3; minus strand). Cytogenetic location: 19p13.2.
Variant type: single nucleotide variant.
Coding change: c.5177G>A on transcript NM_032447.5 (MANE Select); coding-DNA position 5177, G replaced by A.
Protein change: p.Gly1726Glu; replaces glycine 1726 with glutamic acid.
Molecular consequence: missense variant.
Genome position (GRCh38, 1-based): chr19:8,097,399, C>T on the plus strand (G>A on the coding strand, the complement: FBN3 is on the minus strand). VCF-style: chr19-8097399-C-T. GRCh37 (hg19) VCF-style: chr19-8162283-C-T.
Other names: c.5177G>A, p.Gly1726Glu (NM_001321431.2); short protein forms G1726E.
Identifiers: ClinVar variation 1495381 (VCV001495381.6), dbSNP rs2144736205, ClinGen allele CA403730693.
Genomic context (GRCh38, chr19:8,097,399, plus strand): 5'-CAGCGGAAACTCCCGATCTGGTTTATGCAGATGCCATTGGCACAGATGGCGGGGATCTCC[C>T]CACACTCATCAATGTCTGCAGAAGGCATCTGCCATCAGGGGCAGCCCAGCCCCCTGGGAC-3'
Protein context (NP_115823.3, residues 1716-1736): TGKPLDIDEC[Gly1726Glu]EIPAICANGI